The following is an entry in ClinVar:

NM_001397380.1(FAM90A23):c.531C>T (p.Gly177=)

Gene: FAM90A23 (family with sequence similarity 90 member A23). Cytogenetic location: 8p23.1.
Variant type: single nucleotide variant.
Coding change: c.531C>T on transcript NM_001397380.1 (MANE Select); coding-DNA position 531, C replaced by T.
Protein change: p.Gly177=; no amino-acid change (glycine 177 retained).
Molecular consequence: synonymous variant.
Genome position (GRCh38, 1-based): chr8:7,580,508, G>A on the plus strand (C>T on the coding strand, the complement: FAM90A23 is on the minus strand). VCF-style: chr8-7580508-G-A. GRCh37 (hg19) VCF-style: chr8-7438030-G-A.
Identifiers: ClinVar variation 2658363 (VCV002658363.24), dbSNP rs1206259497, ClinGen allele CA459359393.

ClinVar aggregate classification (germline): Likely benign (1 of 4 stars; one submission).

Allele frequency attached by ClinVar (database versions not stated): gnomAD 0.00004.

Submission:

CeGaT Center for Human Genetics Tuebingen
Classification: Likely benign. Last evaluated: 2022-09-01. Review status: criteria provided, single submitter. Criteria: CeGaT Center For Human Genetics Tuebingen Variant Classification Criteria Version 2. Collection method: clinical testing. Allele origin: germline. Affected: yes. Observed: 1 variant allele.
Comment: FAM90A23: BS2